The following is an entry in ClinVar:

ClinVar aggregate classification (germline): Uncertain significance (1 of 4 stars; one submission).

Submission:

Labcorp Genetics (formerly Invitae), Labcorp
Classification: Uncertain significance. Last evaluated: 2024-11-18. Review status: criteria provided, single submitter. Criteria: Invitae Variant Classification Sherloc (09022015). Collection method: clinical testing. Allele origin: germline.
Comment: This sequence change replaces arginine, which is basic and polar, with cysteine, which is neutral and slightly polar, at codon 408 of the TYMP protein (p.Arg408Cys). This variant is not present in population databases (gnomAD no frequency). This variant has not been reported in the literature in individuals affected with TYMP-related conditions. ClinVar contains an entry for this variant (Variation ID: 2087892). Invitae Evidence Modeling of protein sequence and biophysical properties (such as structural, functional, and spatial information, amino acid conservation, physicochemical variation, residue mobility, and thermodynamic stability) indicates that this missense variant is expected to disrupt TYMP protein function with a positive predictive value of 95%. In summary, the available evidence is currently insufficient to determine the role of this variant in disease. Therefore, it has been classified as a Variant of Uncertain Significance.

NM_001953.5(TYMP):c.1222C>T (p.Arg408Cys)

Genes: SCO2 (synthesis of cytochrome C oxidase 2; minus strand), TYMP (thymidine phosphorylase; minus strand), LOC130067862 (ATAC-STARR-seq lymphoblastoid silent region 13986; plus strand). Cytogenetic location: 22q13.33.
Variant type: single nucleotide variant.
Coding change: c.1222C>T on transcript NM_001953.5 (MANE Select); coding-DNA position 1222, C replaced by T.
Protein change: p.Arg408Cys; replaces arginine 408 with cysteine.
Molecular consequence: missense variant. On other transcripts: 5 prime UTR variant (1), intron variant (1).
Genome position (GRCh38, 1-based): chr22:50,526,079, G>A on the plus strand (C>T on the coding strand, the complement: TYMP is on the minus strand). VCF-style: chr22-50526079-G-A. GRCh37 (hg19) VCF-style: chr22-50964508-G-A.
Other names: c.1222C>T, p.Arg408Cys (NM_001113755.3, NM_001113756.3, NM_001257988.1); c.1237C>T, p.Arg413Cys (NM_001257989.1); c.-92C>T (NM_001169110.1); c.-14+167C>T (NM_001169109.2); short protein forms R408C, R413C.
Identifiers: ClinVar variation 2087892 (VCV002087892.4), dbSNP rs898036117, ClinGen allele CA412196920.